The following is an entry in ClinVar:

NM_017780.4(CHD7):c.7502C>A (p.Ser2501Tyr)

Gene: CHD7 (chromodomain helicase DNA binding protein 7; plus strand). Cytogenetic location: 8q12.2.
Variant type: single nucleotide variant.
Coding change: c.7502C>A on transcript NM_017780.4 (MANE Select); coding-DNA position 7502, C replaced by A.
Protein change: p.Ser2501Tyr; replaces serine 2501 with tyrosine.
Molecular consequence: missense variant. On other transcripts: intron variant (1).
Genome position (GRCh38, 1-based): chr8:60,856,782, C>A. VCF-style: chr8-60856782-C-A. GRCh37 (hg19) VCF-style: chr8-61769341-C-A.
Other names: c.1717-5447C>A (NM_001316690.1); short protein forms S2501Y.
Identifiers: ClinVar variation 4806201 (VCV004806201.1).

ClinVar aggregate classification (germline): Uncertain significance (1 of 4 stars; one submission).

Conditions:
CHARGE syndrome (CHARGE). Also called: Hittner Hirsch Kreh syndrome; CHARGE ASSOCIATION--COLOBOMA, HEART ANOMALY, CHOANAL ATRESIA, RETARDATION, GENITAL AND EAR ANOMALIES; Coloboma, heart anomaly, choanal atresia, retardation, genital and ear anomalies; CHARGE association; Hall-Hittner syndrome. Identifiers: Orphanet 138, MedGen C0265354, MONDO:0008965.

Submission:

Labcorp Genetics (formerly Invitae), Labcorp
Classification: Uncertain significance for CHARGE syndrome. Last evaluated: 2025-04-01. Review status: criteria provided, single submitter. Criteria: Invitae Variant Classification Sherloc (09022015). Collection method: clinical testing. Allele origin: germline.
Comment: This sequence change replaces serine, which is neutral and polar, with tyrosine, which is neutral and polar, at codon 2501 of the CHD7 protein (p.Ser2501Tyr). This variant is not present in population databases (gnomAD no frequency). This variant has not been reported in the literature in individuals affected with CHD7-related conditions. Invitae Evidence Modeling of protein sequence and biophysical properties (such as structural, functional, and spatial information, amino acid conservation, physicochemical variation, residue mobility, and thermodynamic stability) indicates that this missense variant is not expected to disrupt CHD7 protein function with a negative predictive value of 80%. In summary, the available evidence is currently insufficient to determine the role of this variant in disease. Therefore, it has been classified as a Variant of Uncertain Significance.